The following is an entry in ClinVar:

NM_004177.5(STX3):c.663_664delinsAT (p.Val222Leu)

Gene: STX3 (syntaxin 3; plus strand). Cytogenetic location: 11q12.1.
Variant type: Indel.
Coding change: c.663_664delinsAT on transcript NM_004177.5 (MANE Select); coding-DNA positions 663 to 664, GG replaced by AT.
Protein change: p.Val222Leu; replaces valine 222 with leucine.
Molecular consequence: missense variant.
Genome position (GRCh38, 1-based): chr11:59,793,502-59,793,503, GG replaced by AT. VCF-style: chr11-59793502-GG-AT. GRCh37 (hg19) VCF-style: chr11-59560975-GG-AT.
Other names: c.663_664delGGinsAT, p.Val222Leu (NM_001178040.3); short protein forms V222L.
Identifiers: ClinVar variation 1375675 (VCV001375675.6), dbSNP rs2135021056, ClinGen allele CA2573147285.

ClinVar aggregate classification (germline): Uncertain significance (1 of 4 stars; one submission).

Submission:

Labcorp Genetics (formerly Invitae), Labcorp
Classification: Uncertain significance. Last evaluated: 2024-02-24. Review status: criteria provided, single submitter. Criteria: Invitae Variant Classification Sherloc (09022015). Collection method: clinical testing. Allele origin: germline.
Comment: This sequence change replaces valine, which is neutral and non-polar, with leucine, which is neutral and non-polar, at codon 222 of the STX3 protein (p.Val222Leu). Information on the frequency of this variant in the gnomAD database is not available, as this variant may be reported differently in the database. This variant has not been reported in the literature in individuals affected with STX3-related conditions. ClinVar contains an entry for this variant (Variation ID: 1375675). Experimental studies and prediction algorithms are not available or were not evaluated, and the functional significance of this variant is currently unknown. In summary, the available evidence is currently insufficient to determine the role of this variant in disease. Therefore, it has been classified as a Variant of Uncertain Significance.